The following is an entry in ClinVar:

ClinVar aggregate classification (germline): Benign. Review status: criteria provided, multiple submitters, no conflicts (2 of 4 stars). 2 submissions from 2 submitters: Benign (2). Last evaluated 2026-06-01.

Allele frequency attached by ClinVar (database versions not stated): 1000 Genomes Project 30x 0.00297; 1000 Genomes Project 0.00300; TOPMed 0.00788; gnomAD 0.00815; ExAC 0.00898; ESP Exome Variant Server 0.01000; gnomAD exomes 0.01282.
gnomAD v4.1: 19,903 of 1,614,148 alleles (1.2%); highest among the groups gnomAD compares: Non-Finnish European, 1.5%; 171 homozygotes.

Submissions (2):

CeGaT Center for Human Genetics Tuebingen
Classification: Benign. Last evaluated: 2026-06-01. Review status: criteria provided, single submitter. Criteria: CeGaT Center For Human Genetics Tuebingen Variant Classification Criteria Version 2. Collection method: clinical testing. Allele origin: germline. Affected: yes. Observed: 11 variant alleles.
Comment: DBR1: BS1, BS2

Labcorp Genetics (formerly Invitae), Labcorp
Classification: Benign. Last evaluated: 2026-02-01. Review status: criteria provided, single submitter. Criteria: Invitae Variant Classification Sherloc (09022015). Collection method: clinical testing. Allele origin: germline.

NM_016216.4(DBR1):c.1282G>C (p.Glu428Gln)

Gene: DBR1 (debranching RNA lariats 1; minus strand). Cytogenetic location: 3q22.3.
Variant type: single nucleotide variant.
Coding change: c.1282G>C on transcript NM_016216.4 (MANE Select); coding-DNA position 1282, G replaced by C.
Protein change: p.Glu428Gln; replaces glutamic acid 428 with glutamine.
Molecular consequence: missense variant.
Genome position (GRCh38, 1-based): chr3:138,162,242, C>G on the plus strand (G>C on the coding strand, the complement: DBR1 is on the minus strand). VCF-style: chr3-138162242-C-G. GRCh37 (hg19) VCF-style: chr3-137881084-C-G.
Other names: short protein forms E428Q.
Identifiers: ClinVar variation 2022836 (VCV002022836.32), dbSNP rs36061810, ClinGen allele CA2635690.